The following is an entry in ClinVar:

NM_000548.5(TSC2):c.3067dup (p.Thr1023fs)

Gene: TSC2 (TSC complex subunit 2; plus strand). Cytogenetic location: 16p13.3.
Variant type: Duplication.
Coding change: c.3067dup on transcript NM_000548.5 (MANE Select); coding-DNA position 3067, one base duplicated (A; older notation c.3067dupA).
Protein change: p.Thr1023fs; shifts the reading frame from threonine 1023.
Molecular consequence: frameshift variant. On other transcripts: non-coding transcript variant (5).
Genome position (GRCh38, 1-based): chr16:2,079,132, A duplicated. VCF-style (leftmost placement, unchanged base first): chr16-2079131-C-CA. GRCh37 (hg19) VCF-style: chr16-2129132-C-CA.
Other names: c.2926dup, p.Thr976fs (NM_001406671.1); c.2923dup, p.Thr975fs (NM_001406673.1); c.2920dup, p.Thr974fs (NM_001406675.1); c.2917dup, p.Thr973fs (NM_001406676.1); c.2878dup, p.Thr960fs (NM_001406677.1); c.2824dup, p.Thr942fs (NM_001406678.1); c.2788dup, p.Thr930fs (NM_001406679.1); c.2467dup, p.Thr823fs (NM_001406680.1, NM_001406682.1, NM_001406683.1); and 18 more; short protein forms T1010fs, T445fs, T575fs, T779fs, T823fs, T960fs, T976fs, T979fs.
Identifiers: ClinVar variation 2758102 (VCV002758102.3), dbSNP rs2544032618, ClinGen allele CA2697549491.

ClinVar aggregate classification (germline): Pathogenic (1 of 4 stars; one submission).

Conditions:
Tuberous sclerosis 2 (TSC2). Identifiers: Orphanet 805, MedGen C1860707, MONDO:0013199, OMIM 613254.

Submission:

Labcorp Genetics (formerly Invitae), Labcorp
Classification: Pathogenic for Tuberous sclerosis 2. Last evaluated: 2023-09-06. Review status: criteria provided, single submitter. Criteria: Invitae Variant Classification Sherloc (09022015). Collection method: clinical testing. Allele origin: germline.
Comment: This sequence change creates a premature translational stop signal (p.Thr1023Asnfs*145) in the TSC2 gene. It is expected to result in an absent or disrupted protein product. Loss-of-function variants in TSC2 are known to be pathogenic (PMID: 10205261, 17304050). This variant is not present in population databases (gnomAD no frequency). This variant has not been reported in the literature in individuals affected with TSC2-related conditions. For these reasons, this variant has been classified as Pathogenic.

Literature cited by the submitters: PubMed 10205261; PubMed 17304050.